The following is an entry in ClinVar:

ClinVar aggregate classification (germline): Uncertain significance. Review status: criteria provided, multiple submitters, no conflicts (2 of 4 stars). 4 submissions from 4 submitters: Uncertain significance (3). 1 of the submissions does not count toward it. Last evaluated 2024-03-18.

Conditions:
PALLD-related disorder. Also called: PALLD-related condition.
Pancreatic cancer, susceptibility to, 1. Identifiers: Orphanet 1333, MedGen C1847351, MONDO:0011739, OMIM 606856.

Allele frequency attached by ClinVar (database versions not stated): ESP Exome Variant Server 0.00046; 1000 Genomes Project 0.00060; 1000 Genomes Project 30x 0.00078.
gnomAD v4.1: 182 of 1,614,122 alleles (0.011%); highest among the groups gnomAD compares: African/African-American, 0.19%; no homozygotes.

Submissions (4):

Fulgent Genetics
Classification: Uncertain significance for Pancreatic cancer, susceptibility to, 1. Last evaluated: 2024-03-18. Review status: criteria provided, single submitter. Criteria: ACMG Guidelines, 2015. Collection method: clinical testing. Allele origin: germline.

Ambry Genetics
Classification: Uncertain significance. Last evaluated: 2022-09-04. Review status: criteria provided, single submitter. Criteria: Ambry Variant Classification Scheme 2023. Collection method: clinical testing. Allele origin: germline.
Comment: The p.R272Q variant (also known as c.815G>A), located in coding exon 1 of the PALLD gene, results from a G to A substitution at nucleotide position 815. The arginine at codon 272 is replaced by glutamine, an amino acid with highly similar properties. This amino acid position is conserved. In addition, this alteration is predicted to be tolerated by in silico analysis. Since supporting evidence is limited at this time, the clinical significance of this alteration remains unclear.

Department of Pathology and Laboratory Medicine, Sinai Health System
Classification: Uncertain significance for Pancreatic cancer, susceptibility to, 1. Last evaluated: 2021-07-30. Review status: criteria provided, single submitter. Criteria: ACMG Guidelines, 2015. Collection method: research. Allele origin: germline.

PreventionGenetics, part of Exact Sciences
Classification: Likely benign for PALLD-related condition. Last evaluated: 2020-07-03. Review status: no assertion criteria provided. Collection method: clinical testing. Allele origin: germline. Not counted in ClinVar's aggregate classification.
Comment: This variant is classified as likely benign based on ACMG/AMP sequence variant interpretation guidelines (Richards et al. 2015 PMID: 25741868, with internal and published modifications).

NM_001166108.2(PALLD):c.815G>A (p.Arg272Gln)

Gene: PALLD (palladin, cytoskeletal associated protein; plus strand). Cytogenetic location: 4q32.3.
Variant type: single nucleotide variant.
Coding change: c.815G>A on transcript NM_001166108.2 (MANE Select); coding-DNA position 815, G replaced by A.
Protein change: p.Arg272Gln; replaces arginine 272 with glutamine.
Molecular consequence: missense variant.
Genome position (GRCh38, 1-based): chr4:168,512,319, G>A. VCF-style: chr4-168512319-G-A. GRCh37 (hg19) VCF-style: chr4-169433470-G-A.
Other names: c.815G>A, p.Arg272Gln (NM_016081.4); short protein forms R272Q.
Identifiers: ClinVar variation 1762216 (VCV001762216.6), dbSNP rs140415820, ClinGen allele CA3135434.